The following is an entry in ClinVar:

ClinVar aggregate classification (germline): Benign. Review status: criteria provided, multiple submitters, no conflicts (2 of 4 stars). 2 submissions from 2 submitters: Benign (2). Last evaluated 2018-06-14.

Allele frequency attached by ClinVar (database versions not stated): gnomAD exomes 0.58207; gnomAD 0.63022 and 0.63244; TOPMed 0.64235; 1000 Genomes Project 30x 0.68832; 1000 Genomes Project 0.68950.
gnomAD v4.1: 524,655 of 888,082 alleles (59%); highest among the groups gnomAD compares: African/African-American, 78%; 158,682 homozygotes.

Submissions (2):

GeneDx
Classification: Benign. Last evaluated: 2018-06-14. Review status: criteria provided, single submitter. Criteria: GeneDx Variant Classification (06012015). Collection method: clinical testing. Allele origin: germline. Affected: yes.
Comment: This variant is considered likely benign or benign based on one or more of the following criteria: it is a conservative change, it occurs at a poorly conserved position in the protein, it is predicted to be benign by multiple in silico algorithms, and/or has population frequency not consistent with disease.

Breakthrough Genomics
Classification: Benign. Review status: criteria provided, single submitter. Criteria: ACMG Guidelines, 2015. Collection method: not provided. Allele origin: germline. Inheritance: Autosomal recessive inheritance. Affected: yes.

NM_206926.2(SELENON):c.184-109G>A

Gene: SELENON (selenoprotein N; plus strand). Cytogenetic location: 1p36.11.
Variant type: single nucleotide variant.
Coding change: c.184-109G>A on transcript NM_206926.2 (MANE Select); 109 bases into the intron before coding-DNA position 184, G replaced by A.
Molecular consequence: intron variant.
Genome position (GRCh38, 1-based): chr1:25,800,934, G>A. VCF-style: chr1-25800934-G-A. GRCh37 (hg19) VCF-style: chr1-26127425-G-A.
Other names: c.184-109G>A (NM_020451.3).
Identifiers: ClinVar variation 669827 (VCV000669827.2), dbSNP rs6659086, ClinGen allele CA10766248.